The following is an entry in ClinVar:

NM_001261826.3(AP3D1):c.454A>G (p.Met152Val)

Gene: AP3D1 (adaptor related protein complex 3 subunit delta 1; minus strand). Cytogenetic location: 19p13.3.
Variant type: single nucleotide variant.
Coding change: c.454A>G on transcript NM_001261826.3 (MANE Select); coding-DNA position 454, A replaced by G.
Protein change: p.Met152Val; replaces methionine 152 with valine.
Molecular consequence: missense variant.
Genome position (GRCh38, 1-based): chr19:2,132,479, T>C on the plus strand (A>G on the coding strand, the complement: AP3D1 is on the minus strand). VCF-style: chr19-2132479-T-C. GRCh37 (hg19) VCF-style: chr19-2132478-T-C.
Other names: c.454A>G, p.Met152Val (NM_001374799.1, NM_003938.8); short protein forms M152V.
Identifiers: ClinVar variation 2879749 (VCV002879749.3), dbSNP rs755508097, ClinGen allele CA9059727.

ClinVar aggregate classification (germline): Uncertain significance (1 of 4 stars; one submission).

Allele frequency attached by ClinVar (database versions not stated): ExAC 0.00001; gnomAD 0.00001; gnomAD exomes 0.00001.

Submission:

Labcorp Genetics (formerly Invitae), Labcorp
Classification: Uncertain significance. Last evaluated: 2024-08-29. Review status: criteria provided, single submitter. Criteria: Invitae Variant Classification Sherloc (09022015). Collection method: clinical testing. Allele origin: germline.
Comment: This sequence change replaces methionine, which is neutral and non-polar, with valine, which is neutral and non-polar, at codon 152 of the AP3D1 protein (p.Met152Val). This variant is present in population databases (rs755508097, gnomAD 0.002%). This variant has not been reported in the literature in individuals affected with AP3D1-related conditions. An algorithm developed to predict the effect of missense changes on protein structure and function (PolyPhen-2) suggests that this variant is likely to be tolerated. In summary, the available evidence is currently insufficient to determine the role of this variant in disease. Therefore, it has been classified as a Variant of Uncertain Significance.